The following is an entry in ClinVar:

ClinVar aggregate classification (germline): Conflicting classifications of pathogenicity. Review status: criteria provided, conflicting classifications (1 of 4 stars). 4 submissions from 4 submitters: Uncertain significance (3); Likely benign (1). Last evaluated 2025-10-23.

Conditions:
Inborn genetic diseases. Identifiers: MedGen C0950123, MeSH D030342.
46,XY sex reversal 9 (SRXY9). Also called: 46,XY SEX REVERSAL, ZFPM2-RELATED. Identifiers: Orphanet 251510, MedGen C4015129, MONDO:0014480, OMIM 616067.

Allele frequency attached by ClinVar (database versions not stated): ExAC 0.00002; gnomAD 0.00002; gnomAD exomes 0.00004; TOPMed 0.00004.
gnomAD v4.1: 73 of 1,613,768 alleles (0.0045%); highest among the groups gnomAD compares: Non-Finnish European, 0.0059%; no homozygotes.

Submissions (4):

Ambry Genetics
Classification: Uncertain significance for Inborn genetic diseases. Last evaluated: 2025-10-23. Review status: criteria provided, single submitter. Criteria: Ambry Variant Classification Scheme 2023. Collection method: clinical testing. Allele origin: germline.

Blueprint Genetics
Classification: Likely benign. Last evaluated: 2024-07-04. Review status: criteria provided, single submitter. Criteria: ACMG Guidelines, 2015. Collection method: clinical testing. Allele origin: germline.

Labcorp Genetics (formerly Invitae), Labcorp
Classification: Uncertain significance for 46,XY sex reversal 9. Last evaluated: 2024-05-20. Review status: criteria provided, single submitter. Criteria: Invitae Variant Classification Sherloc (09022015). Collection method: clinical testing. Allele origin: germline.
Comment: This sequence change replaces threonine, which is neutral and polar, with isoleucine, which is neutral and non-polar, at codon 630 of the ZFPM2 protein (p.Thr630Ile). This variant is present in population databases (rs756076552, gnomAD 0.008%). This variant has not been reported in the literature in individuals affected with ZFPM2-related conditions. ClinVar contains an entry for this variant (Variation ID: 644327). An algorithm developed to predict the effect of missense changes on protein structure and function (PolyPhen-2) suggests that this variant is likely to be tolerated. In summary, the available evidence is currently insufficient to determine the role of this variant in disease. Therefore, it has been classified as a Variant of Uncertain Significance.

Revvity Omics, Revvity
Classification: Uncertain significance. Last evaluated: 2020-04-04. Review status: criteria provided, single submitter. Criteria: ACMG Guidelines, 2015. Collection method: clinical testing. Allele origin: germline.

NM_012082.4(ZFPM2):c.1889C>T (p.Thr630Ile)

Genes: ZFPM2 (zinc finger protein, FOG family member 2; plus strand), ZFPM2-AS1 (ZFPM2 antisense RNA 1; minus strand). Cytogenetic location: 8q23.1.
Variant type: single nucleotide variant.
Coding change: c.1889C>T on transcript NM_012082.4 (MANE Select); coding-DNA position 1889, C replaced by T.
Protein change: p.Thr630Ile; replaces threonine 630 with isoleucine.
Molecular consequence: missense variant.
Genome position (GRCh38, 1-based): chr8:105,801,971, C>T. VCF-style: chr8-105801971-C-T. GRCh37 (hg19) VCF-style: chr8-106814199-C-T.
Other names: c.1730C>T, p.Thr577Ile (NM_001362836.2); c.1493C>T, p.Thr498Ile (NM_001362837.2); short protein forms T498I, T577I, T630I.
Identifiers: ClinVar variation 644327 (VCV000644327.14), dbSNP rs756076552, ClinGen allele CA4839825.